The following is an entry in ClinVar:

NM_000478.6(ALPL):c.388dup (p.Val130fs)

Gene: ALPL (alkaline phosphatase, biomineralization associated; plus strand). Cytogenetic location: 1p36.12.
Variant type: Duplication.
Coding change: c.388dup on transcript NM_000478.6 (MANE Select); coding-DNA position 388, one base duplicated (G; older notation c.388dupG).
Protein change: p.Val130fs; shifts the reading frame from valine 130.
Molecular consequence: frameshift variant.
Genome position (GRCh38, 1-based): chr1:21,563,200, G duplicated; the last of 5 consecutive G bases (chr1:21,563,196-21,563,200); duplicating any one gives the same sequence. VCF-style (leftmost placement, unchanged base first): chr1-21563195-T-TG. GRCh37 (hg19) VCF-style: chr1-21889688-T-TG.
Other names: c.223dup, p.Val75fs (NM_001127501.4); c.157dup, p.Val53fs (NM_001177520.3); c.388dup, p.Val130fs (NM_001369803.2, NM_001369804.2, NM_001369805.2); c.388dup (NM_000478.4); short protein forms V130fs, V75fs, V53fs.
Identifiers: ClinVar variation 1457562 (VCV001457562.10), dbSNP rs1644509908, ClinGen allele CA1158014032.

ClinVar aggregate classification (germline): Pathogenic/Likely pathogenic. Review status: criteria provided, multiple submitters, no conflicts (2 of 4 stars). 3 submissions from 3 submitters: Pathogenic (2); Likely pathogenic (1). Last evaluated 2025-06-26.

Conditions:
Hypophosphatasia. Also called: Phosphoethanol-aminuria. Identifiers: Orphanet 436, MedGen C0020630, MeSH D007014, MONDO:0018570.

Submissions (3):

JKU Lab, Dept of Paediatrics, Johannes Kepler University
Classification: Likely pathogenic for Hypophosphatasia. Last evaluated: 2025-06-26. Review status: criteria provided, single submitter. Criteria: ACMG Guidelines, 2015. Collection method: clinical testing. Allele origin: germline. Affected: yes.
Comment: This missense variant is not present in GnomAD 4.1. REVEL score is not applicable. Splice-prediction algorithms predict no effect on splicing. In-vitro functional studies were not undertaken. This variant has been reported in the literature in individuals affected with ALPL-related conditions (PMID 26783040, 28127875, 32066479). The results of the functional testing and the applied ACMG criteria can be viewed at an online resource

GeneDx
Classification: Pathogenic. Last evaluated: 2024-10-07. Review status: criteria provided, single submitter. Criteria: GeneDx Variant Classification Process June 2021. Collection method: clinical testing. Allele origin: germline. Affected: yes.
Comment: Reported in the heterozygous state using c. nomenclature c.383_384insG in a study of adults with low alkaline phosphatase levels in the published literature, however, specific clinical information was not provided (PMID: 26783040); Frameshift variant predicted to result in protein truncation or nonsense mediated decay in a gene for which loss of function is a known mechanism of disease; Not observed at significant frequency in large population cohorts (gnomAD); This variant is associated with the following publications: (PMID: 26783040)

Labcorp Genetics (formerly Invitae), Labcorp
Classification: Pathogenic. Last evaluated: 2023-05-02. Review status: criteria provided, single submitter. Criteria: Invitae Variant Classification Sherloc (09022015). Collection method: clinical testing. Allele origin: germline.
Comment: This sequence change creates a premature translational stop signal (p.Val130Glyfs*6) in the ALPL gene. It is expected to result in an absent or disrupted protein product. Loss-of-function variants in ALPL are known to be pathogenic (PMID: 3174660, 10679946, 32973344, 33814268). This variant is not present in population databases (gnomAD no frequency). This premature translational stop signal has been observed in individual(s) with clinical features of autosomal dominant hypophosphatasia (PMID: 26783040). This variant is also known as c.383_384insG. ClinVar contains an entry for this variant (Variation ID: 1457562). For these reasons, this variant has been classified as Pathogenic.

Literature cited by the submitters: PubMed 26783040 (cited by JKU Lab, Dept of Paediatrics, Johannes Kepler University and Labcorp Genetics (formerly Invitae), Labcorp); PubMed 28127875 (cited by JKU Lab, Dept of Paediatrics, Johannes Kepler University); PubMed 32066479 (cited by JKU Lab, Dept of Paediatrics, Johannes Kepler University); PubMed 3174660 (cited by Labcorp Genetics (formerly Invitae), Labcorp); PubMed 10679946 (cited by Labcorp Genetics (formerly Invitae), Labcorp); PubMed 32973344 (cited by Labcorp Genetics (formerly Invitae), Labcorp); PubMed 33814268 (cited by Labcorp Genetics (formerly Invitae), Labcorp).